The following is an entry in ClinVar:

ClinVar aggregate classification (germline): Uncertain significance (1 of 4 stars; one submission).

Submission:

Labcorp Genetics (formerly Invitae), Labcorp
Classification: Uncertain significance. Last evaluated: 2021-01-30. Review status: criteria provided, single submitter. Criteria: Invitae Variant Classification Sherloc (09022015). Collection method: clinical testing. Allele origin: germline.
Comment: This variant has not been reported in the literature in individuals with SMARCB1-related conditions. This variant is not present in population databases (ExAC no frequency). This sequence change replaces tryptophan with cysteine at codon 51 of the SMARCB1 protein (p.Trp51Cys). The tryptophan residue is highly conserved and there is a large physicochemical difference between tryptophan and cysteine. Algorithms developed to predict the effect of missense changes on protein structure and function (SIFT, PolyPhen-2, Align-GVGD) all suggest that this variant is likely to be tolerated, but these predictions have not been confirmed by published functional studies and their clinical significance is uncertain. In summary, the available evidence is currently insufficient to determine the role of this variant in disease. Therefore, it has been classified as a Variant of Uncertain Significance.

NM_003073.5(SMARCB1):c.153G>C (p.Trp51Cys)

Gene: SMARCB1 (SWI/SNF related BAF chromatin remodeling complex subunit B1; plus strand). Cytogenetic location: 22q11.23.
Variant type: single nucleotide variant.
Coding change: c.153G>C on transcript NM_003073.5 (MANE Select); coding-DNA position 153, G replaced by C.
Protein change: p.Trp51Cys; replaces tryptophan 51 with cysteine.
Molecular consequence: missense variant.
Genome position (GRCh38, 1-based): chr22:23,791,815, G>C. VCF-style: chr22-23791815-G-C. GRCh37 (hg19) VCF-style: chr22-24134002-G-C.
Other names: c.153G>C, p.Trp51Cys (NM_001007468.3, NM_001317946.2, NM_001362877.2); short protein forms W51C.
Identifiers: ClinVar variation 1405975 (VCV001405975.8), dbSNP rs2145960213, ClinGen allele CA410932730.